The following is an entry in ClinVar:

ClinVar aggregate classification (germline): Pathogenic. Review status: reviewed by expert panel (3 of 4 stars). 8 submissions from 8 submitters: Pathogenic (1). 7 of the submissions do not count toward it. Last evaluated 2025-07-29.

Conditions:
DYSF-related disorder. Also called: DYSF-related condition; DYSF-related disorders.
Miyoshi muscular dystrophy 1 (MMD1). Identifiers: Orphanet 45448, MedGen C4551973, MONDO:0024545, OMIM 254130.
Autosomal recessive limb-girdle muscular dystrophy type 2B (LGMDR2). Also called: MUSCULAR DYSTROPHY, LIMB-GIRDLE, TYPE 3; Limb-girdle muscular dystrophy, type 2B; Limb-Girdle Muscular Dystrophy Type 2B (LGMD2B); MUSCULAR DYSTROPHY, LIMB-GIRDLE, AUTOSOMAL RECESSIVE 2. Identifiers: Orphanet 268, MedGen C1850889, MONDO:0009676, OMIM 253601.
Distal myopathy with anterior tibial onset. Identifiers: Orphanet 178400, MedGen C1847532, MONDO:0011721, OMIM 606768.
Autosomal recessive limb-girdle muscular dystrophy. Identifiers: Orphanet 102015, MedGen C2931907, MONDO:0015152.
Neuromuscular disease caused by qualitative or quantitative defects of dysferlin. Also called: Qualitative or quantitative defects of dysferlin; Dysferlinopathy. Identifiers: Orphanet 207073, MedGen C2931687, MONDO:0016145.

Submissions (8):

ClinGen Limb Girdle Muscular Dystrophy Variant Curation Expert Panel, ClinGen
Classification: Pathogenic for Autosomal recessive limb-girdle muscular dystrophy. Last evaluated: 2025-07-29. Review status: reviewed by expert panel. Criteria: ClinGen LGMD VCEP ACMG Specifications DYSF V1.0.0. Collection method: curation. Allele origin: germline. Inheritance: Autosomal recessive inheritance.
Comment: The NM_003494.4: c.107_108del p.(Lys36SerfsTer12) variant in DYSF, which is also known as NM_001130987.2: c.110_111del p.(Lys37SerfsTer12), is a frameshift variant predicted to cause a premature stop codon in biologically relevant exon 2/55, leading to nonsense mediated decay in a gene in which loss of function is an established disease mechanism (PVS1). This variant has been identified in at least four individuals with features consistent with LGMD (PMID: 19528035, 18853459; ClinVar SCV004229601.1 internal data communication), including in unknown phase with a pathogenic variant (NM_003494.4: c.2643+1G>A, 0.5 pts, ClinVar SCV004229601.1 internal data communication) (PM3_Supporting). This variant has been reported to co-segregate with autosomal recessive LGMD in two affected family members from two families (PMID: 18853459, 19528035; PP1_Moderate). In addition, at least one patient with this variant and a second presumed diagnostic DYSF variant displayed progressive limb girdle muscle weakness and severely reduced or absent dysferlin protein expression in skeletal muscle, which is highly specific for DYSF-related LGMD (PMID: 18853459, 17698709; PP4_Moderate, capped with PP1_Moderate). The filtering allele frequency of this variant in gnomAD v4.1.0 exomes is 0.000016374 (the lower threshold of the 95% CI of 11/1111948 European (non-Finnish) chromosomes), which is lower than the LGMD VCEP threshold (<0.0001) for PM2_Supporting, meeting this criterion (PM2_Supporting). In summary, this variant meets the criteria to be classified as Pathogenic for autosomal recessive limb girdle muscular dystrophy based on the ACMG/AMP criteria applied, as specified by the ClinGen LGMD VCEP (LGMD VCEP specifications version 1.0.0; 07/29/2025): PVS1, PM3_Supporting, PP1_Moderate, PP4_Moderate, PM2_Supporting.

Labcorp Genetics (formerly Invitae), Labcorp
Classification: Pathogenic for Neuromuscular disease caused by qualitative or quantitative defects of dysferlin. Last evaluated: 2026-01-12. Review status: criteria provided, single submitter. Criteria: Invitae Variant Classification Sherloc (09022015). Collection method: clinical testing. Allele origin: germline. Not counted in ClinVar's aggregate classification.
Comment: This sequence change creates a premature translational stop signal (p.Lys36Serfs*12) in the DYSF gene. It is expected to result in an absent or disrupted protein product. Loss-of-function variants in DYSF are known to be pathogenic (PMID: 17698709, 20301480). This variant is not present in population databases (gnomAD no frequency). This premature translational stop signal has been observed in individuals with dysferlinopathy (PMID: 18853459, 19528035). ClinVar contains an entry for this variant (Variation ID: 94263). For these reasons, this variant has been classified as Pathogenic.

Fulgent Genetics
Classification: Pathogenic for Autosomal recessive limb-girdle muscular dystrophy type 2B; Miyoshi muscular dystrophy 1; Distal myopathy with anterior tibial onset. Last evaluated: 2024-05-03. Review status: criteria provided, single submitter. Criteria: ACMG Guidelines, 2015. Collection method: clinical testing. Allele origin: germline. Not counted in ClinVar's aggregate classification.

Baylor Genetics
Classification: Pathogenic for Miyoshi muscular dystrophy 1. Last evaluated: 2023-05-06. Review status: criteria provided, single submitter. Criteria: ACMG Guidelines, 2015. Collection method: clinical testing. Allele origin: unknown. Not counted in ClinVar's aggregate classification.

PreventionGenetics, part of Exact Sciences
Classification: Pathogenic for DYSF-related condition. Last evaluated: 2023-04-26. Review status: criteria provided, single submitter. Criteria: ACMG Guidelines, 2015. Collection method: clinical testing. Allele origin: germline. Not counted in ClinVar's aggregate classification.
Comment: The DYSF c.107_108delAA variant is predicted to result in a frameshift and premature protein termination (p.Lys36Serfs*12). This variant has been reported in individuals with DYSF-related disorders (Krahn et al. 2009. PubMed ID: 18853459; Klinge et al. 2009. PubMed ID: 19528035). This variant has not been reported in a large population database, indicating this variant is rare. Frameshift variants in DYSF are expected to be pathogenic. This variant is interpreted as pathogenic.

Athena Diagnostics
Classification: Pathogenic. Last evaluated: 2022-11-02. Review status: criteria provided, single submitter. Criteria: Athena Diagnostics Criteria. Collection method: clinical testing. Allele origin: unknown. Not counted in ClinVar's aggregate classification.
Comment: This variant is expected to result in the loss of a functional protein. This variant has been identified in at least one individual with clinical features associated with limb-girdle muscular dystrophy and at least one individual with clinical features of Miyoshi muscular dystrophy. This variant has not been reported in large, multi-ethnic general populations.

Eurofins Ntd Llc (ga)
Classification: Pathogenic. Last evaluated: 2012-10-02. Review status: criteria provided, single submitter. Criteria: EGL Classification Definitions. Collection method: clinical testing. Allele origin: germline. Observed: 2 variant alleles, 2 heterozygotes. Not counted in ClinVar's aggregate classification.

Natera, Inc.
Classification: Pathogenic for Limb-girdle muscular dystrophy type 2B. Last evaluated: 2020-09-16. Review status: no assertion criteria provided. Collection method: clinical testing. Allele origin: germline. Not counted in ClinVar's aggregate classification.

Literature cited by the submitters: PubMed 17698709 (cited by Labcorp Genetics (formerly Invitae), Labcorp); PubMed 20301480 (cited by Labcorp Genetics (formerly Invitae), Labcorp); PubMed 18853459 (cited by Labcorp Genetics (formerly Invitae), Labcorp and Athena Diagnostics); PubMed 19528035 (cited by Labcorp Genetics (formerly Invitae), Labcorp and Athena Diagnostics).

NM_001130987.2(DYSF):c.110_111del (p.Lys37fs)

Gene: DYSF (dysferlin; plus strand). Cytogenetic location: 2p13.2.
Variant type: Deletion.
Coding change: c.110_111del on transcript NM_001130987.2 (MANE Select); coding-DNA positions 110 to 111, 2 bases deleted (AA; older notation c.110_111delAA).
Protein change: p.Lys37fs; shifts the reading frame from lysine 37.
Molecular consequence: frameshift variant.
Genome position (GRCh38, 1-based): chr2:71,480,901-71,480,902, AA deleted; deleting any 2 consecutive bases within chr2:71,480,900-71,480,902 gives the same sequence; the c. name uses the placement nearest the transcript's 3' end. VCF-style (leftmost placement, unchanged base first): chr2-71480899-CAA-C. GRCh37 (hg19) VCF-style: chr2-71708029-CAA-C.
Other names: NM_001130987.2(DYSF):c.110_111del; p.Lys37fs; c.110_111del, p.Lys37fs (NM_001130455.2, NM_001130982.2, NM_001130983.2 and 3 more transcripts); c.107_108del, p.Lys36fs (NM_001130976.2, NM_001130977.2, NM_001130978.2 and 4 more transcripts); c.107_108del (NM_003494.3); c.107_108delAA (NM_003494.4); short protein forms K36fs, K37fs.
Identifiers: ClinVar variation 94263 (VCV000094263.24), dbSNP rs398123764, ClinGen allele CA222121.